The following is an entry in ClinVar:

NC_000001.10:g.(?_216538275)_(216538447_?)del

Gene: USH2A (usherin; minus strand). Cytogenetic location: 1q41.
Variant type: Deletion.
Identifiers: ClinVar variation 3248044 (VCV003248044.1).

ClinVar aggregate classification (germline): Pathogenic (1 of 4 stars; one submission).

Submission:

Labcorp Genetics (formerly Invitae), Labcorp
Classification: Pathogenic. Last evaluated: 2023-11-25. Review status: criteria provided, single submitter. Criteria: Invitae Variant Classification Sherloc (09022015). Collection method: clinical testing. Allele origin: unknown.
Comment: This variant is a gross deletion of the genomic region encompassing exon(s) 4 of the USH2A gene. This deletion is out-of-frame, and is expected to create a premature termination codon and result in an absent or disrupted protein product. Loss-of-function variants in USH2A are known to be pathogenic (PMID: 10729113, 10909849, 20507924, 25649381). A similar copy number variant has been observed in individual(s) with Usher syndrome (PMID: 27460420). For these reasons, this variant has been classified as Pathogenic.

Literature cited by the submitters: PubMed 10729113; PubMed 10909849; PubMed 20507924; PubMed 25649381; PubMed 27460420.